The following is an entry in ClinVar:

ClinVar aggregate classification (germline): Conflicting classifications of pathogenicity. Review status: criteria provided, conflicting classifications (1 of 4 stars). 3 submissions from 3 submitters: Likely pathogenic (1); Uncertain significance (1). 1 of the submissions does not count toward it. Last evaluated 2019-11-20.

Conditions:
Cardiovascular phenotype. Identifiers: MedGen CN230736.
Dilated cardiomyopathy 1DD (CMD1DD). Identifiers: Orphanet 154, MedGen C2750995, MONDO:0013168, OMIM 613172.

Submissions (3):

GeneDx
Classification: Uncertain significance. Last evaluated: 2019-11-20. Review status: criteria provided, single submitter. Criteria: GeneDx Variant Classification Process June 2021. Collection method: clinical testing. Allele origin: germline. Affected: yes.
Comment: Reported in association with cardiomyopathy (Brauch et al., 2009; Millat et al., 2011; Parikh et al., 2019); Not observed in large population cohorts (Lek et al., 2016); In silico analysis, which includes protein predictors and evolutionary conservation, supports a deleterious effect; This variant is associated with the following publications: (PMID: 22466703, 19712804, 21846512, 30871351, 32840935, 32851336)

Ambry Genetics
Classification: Likely pathogenic for Cardiovascular phenotype. Last evaluated: 2019-06-20. Review status: criteria provided, single submitter. Criteria: Ambry Variant Classification Scheme 2023. Collection method: clinical testing. Allele origin: germline.
Comment: The p.S637G variant (also known as c.1909A>G), located in coding exon 9 of the RBM20 gene, results from an A to G substitution at nucleotide position 1909. The serine at codon 637 is replaced by glycine, an amino acid with similar properties. This variant has been reported in individuals with dilated cardiomyopathy (DCM) and segregated with disease in three affected relatives from one family (Brauch KM et al. J. Am. Coll. Cardiol., 2009 Sep;54:930-41; Millat G et al. Eur J Med Genet Aug;54:e570-5). This variant was also confirmed as de novo in one individual with DCM and left ventricular non-compaction (LVNC) (Sun Q et al. Pediatr Invest., 2020 Mar; 4:11-16). In addition, this alteration has been noted as occurring in the RS-rich hot spot region, and an in vitro study suggested this alteration may result in altered protein function (Guo W et al. Nat Med. 2012;18:766-73). This variant was not reported in population-based cohorts in the Genome Aggregation Database (gnomAD). This amino acid position is highly conserved in available vertebrate species. In addition, this alteration is predicted to be deleterious by in silico analysis. Based on the majority of available evidence to date, this variant is likely to be pathogenic.

OMIM
Classification: Pathogenic for CARDIOMYOPATHY, DILATED, 1DD. Last evaluated: 2009-09-01. Review status: no assertion criteria provided. Collection method: literature only. Allele origin: germline. Not counted in ClinVar's aggregate classification.

Literature cited by the submitters: PubMed 19712804 (cited by Ambry Genetics and OMIM); PubMed 21846512 (cited by Ambry Genetics); PubMed 22466703 (cited by Ambry Genetics); PubMed 26604136 (cited by Ambry Genetics).

NM_001134363.3(RBM20):c.1909A>G (p.Ser637Gly)

Gene: RBM20 (RNA binding motif protein 20; plus strand). Cytogenetic location: 10q25.2.
Variant type: single nucleotide variant.
Coding change: c.1909A>G on transcript NM_001134363.3 (MANE Select); coding-DNA position 1909, A replaced by G.
Protein change: p.Ser637Gly; replaces serine 637 with glycine.
Molecular consequence: missense variant.
Genome position (GRCh38, 1-based): chr10:110,812,306, A>G. VCF-style: chr10-110812306-A-G. GRCh37 (hg19) VCF-style: chr10-112572064-A-G.
Other names: c.1909A>G, p.Ser637Gly (LRG_382t1); short protein forms S637G.
Identifiers: ClinVar variation 272 (VCV000000272.5), dbSNP rs267607005, ClinGen allele CA251417.